The following is an entry in ClinVar:

NM_001122764.3(PPOX):c.251T>G (p.Val84Gly)

Gene: PPOX (protoporphyrinogen oxidase; plus strand). Cytogenetic location: 1q23.3.
Variant type: single nucleotide variant.
Coding change: c.251T>G on transcript NM_001122764.3 (MANE Select); coding-DNA position 251, T replaced by G.
Protein change: p.Val84Gly; replaces valine 84 with glycine.
Molecular consequence: missense variant. On other transcripts: 5 prime UTR variant (3), intron variant (2).
Genome position (GRCh38, 1-based): chr1:161,167,399, T>G. VCF-style: chr1-161167399-T-G. GRCh37 (hg19) VCF-style: chr1-161137189-T-G.
Other names: c.251T>G, p.Val84Gly (NM_000309.5, NM_001365398.1, NM_001365399.1); c.266T>G, p.Val89Gly (NM_001350128.2); c.-177T>G (NM_001350129.2); c.-236T>G (NM_001350130.2); c.-122T>G (NM_001350131.2); c.-90+165T>G (NM_001365400.1); c.-149+165T>G (NM_001365401.1); short protein forms V89G, V84G.
Identifiers: ClinVar variation 2734007 (VCV002734007.3), dbSNP rs2525201326, ClinGen allele CA343352478.

ClinVar aggregate classification (germline): Uncertain significance (1 of 4 stars; one submission).

Allele frequency attached by ClinVar (database versions not stated): gnomAD exomes below 0.00001.
gnomAD v4.1: 3 of 1,613,948 alleles (0.00019%); highest among the groups gnomAD compares: Non-Finnish European, 0.000085%; no homozygotes.

Submission:

Labcorp Genetics (formerly Invitae), Labcorp
Classification: Uncertain significance. Last evaluated: 2024-04-10. Review status: criteria provided, single submitter. Criteria: Invitae Variant Classification Sherloc (09022015). Collection method: clinical testing. Allele origin: germline.
Comment: This sequence change replaces valine, which is neutral and non-polar, with glycine, which is neutral and non-polar, at codon 84 of the PPOX protein (p.Val84Gly). This variant is not present in population databases (gnomAD no frequency). This missense change has been observed in individual(s) with variegate porphyria (PMID: 10486317). Advanced modeling of protein sequence and biophysical properties (such as structural, functional, and spatial information, amino acid conservation, physicochemical variation, residue mobility, and thermodynamic stability) performed at Invitae indicates that this missense variant is not expected to disrupt PPOX protein function with a negative predictive value of 80%. Experimental studies have shown that this missense change affects PPOX function (PMID: 11929051, 21048046). In summary, the available evidence is currently insufficient to determine the role of this variant in disease. Therefore, it has been classified as a Variant of Uncertain Significance.

Literature cited by the submitters: PubMed 10486317; PubMed 11929051; PubMed 21048046.